The following is an entry in ClinVar:

ClinVar aggregate classification (germline): Uncertain significance (1 of 4 stars; one submission).

Conditions:
Hereditary cancer-predisposing syndrome. Also called: Neoplastic Syndromes, Hereditary; Tumor predisposition; Hereditary Cancer Syndrome; Hereditary neoplastic syndrome. Identifiers: Orphanet 140162, MedGen C0027672, MeSH D009386, MONDO:0015356.

Submission:

Ambry Genetics
Classification: Uncertain significance for Hereditary cancer-predisposing syndrome. Last evaluated: 2026-03-31. Review status: criteria provided, single submitter. Criteria: Ambry Variant Classification Scheme 2023. Collection method: clinical testing. Allele origin: germline.
Comment: The p.I379F variant (also known as c.1135A>T), located in coding exon 5 of the BLM gene, results from an A to T substitution at nucleotide position 1135. The isoleucine at codon 379 is replaced by phenylalanine, an amino acid with highly similar properties. This amino acid position is conserved. In addition, the in silico prediction for this alteration is inconclusive. Based on the available evidence, the clinical significance of this variant remains unclear.

NM_000057.4(BLM):c.1135A>T (p.Ile379Phe)

Gene: BLM (BLM RecQ like helicase; plus strand). Cytogenetic location: 15q26.1.
Variant type: single nucleotide variant.
Coding change: c.1135A>T on transcript NM_000057.4 (MANE Select); coding-DNA position 1135, A replaced by T.
Protein change: p.Ile379Phe; replaces isoleucine 379 with phenylalanine.
Molecular consequence: missense variant.
Genome position (GRCh38, 1-based): chr15:90,760,194, A>T. VCF-style: chr15-90760194-A-T. GRCh37 (hg19) VCF-style: chr15-91303424-A-T.
Other names: c.1135A>T, p.Ile379Phe (NM_001287246.2, NM_001287247.2); c.10A>T, p.Ile4Phe (NM_001287248.2); short protein forms I379F, I4F.
Identifiers: ClinVar variation 4867482 (VCV004867482.1).